The following is an entry in ClinVar:

NM_004526.4(MCM2):c.699C>G (p.Asn233Lys)

Gene: MCM2 (minichromosome maintenance complex component 2; plus strand). Cytogenetic location: 3q21.3.
Variant type: single nucleotide variant.
Coding change: c.699C>G on transcript NM_004526.4 (MANE Select); coding-DNA position 699, C replaced by G.
Protein change: p.Asn233Lys; replaces asparagine 233 with lysine.
Molecular consequence: missense variant. On other transcripts: non-coding transcript variant (1).
Genome position (GRCh38, 1-based): chr3:127,606,143, C>G. VCF-style: chr3-127606143-C-G. GRCh37 (hg19) VCF-style: chr3-127324986-C-G.
Other names: short protein forms N233K.
Identifiers: ClinVar variation 4987160 (VCV004987160.1).
Genomic context (GRCh38, chr3:127,606,143, plus strand): 5'-TTAGTTAACTCTCTTCCCACTGTGCCCCCTTCTAGAGAACCGTGAGAGCCTGGTGGTGAA[C>G]TATGAGGACTTGGCAGCCAGGGAGCACGTGCTGGCCTACTTCCTGCCTGAGGCACCGGCG-3'
Protein context (NP_004517.2, residues 223-243): CKENRESLVV[Asn233Lys]YEDLAAREHV

ClinVar aggregate classification (germline): Uncertain significance (1 of 4 stars; one submission).

Conditions:
MCM2-related disorder. Also called: MCM2-related condition.

gnomAD v4.1: 15 of 1,614,180 alleles (0.00093%); highest among the groups gnomAD compares: Non-Finnish European, 0.0013%; no homozygotes.

Submission:

PreventionGenetics, part of Exact Sciences
Classification: Uncertain significance for MCM2-related condition. Last evaluated: 2025-07-03. Review status: criteria provided, single submitter. Criteria: ACMG Guidelines, 2015. Collection method: clinical testing. Allele origin: germline.
Comment: The MCM2 c.699C>G variant is predicted to result in the amino acid substitution p.Asn233Lys. To our knowledge, this variant has not been reported in the literature. This variant is reported in 0.0018% of alleles in individuals of European (Non-Finnish) descent in gnomAD. At this time, the clinical significance of this variant is uncertain due to the absence of conclusive functional and genetic evidence.